The following is an entry in ClinVar:

NM_000059.4(BRCA2):c.1885C>T (p.Leu629Phe)

Gene: BRCA2 (BRCA2 DNA repair associated; plus strand). Cytogenetic location: 13q13.1.
Variant type: single nucleotide variant.
Coding change: c.1885C>T on transcript NM_000059.4 (MANE Select); coding-DNA position 1885, C replaced by T.
Protein change: p.Leu629Phe; replaces leucine 629 with phenylalanine.
Molecular consequence: missense variant.
Genome position (GRCh38, 1-based): chr13:32,333,363, C>T. VCF-style: chr13-32333363-C-T. GRCh37 (hg19) VCF-style: chr13-32907500-C-T.
Other names: 2113C>T; short protein forms L629F.
Identifiers: ClinVar variation 91762 (VCV000091762.26), dbSNP rs398122734, ClinGen allele CA013724.

ClinVar aggregate classification (germline): Conflicting classifications of pathogenicity. Review status: criteria provided, conflicting classifications (1 of 4 stars). 8 submissions from 8 submitters: Uncertain significance (4); Benign (1); Likely benign (2). 1 of the submissions does not count toward it. Last evaluated 2025-08-06.

Conditions:
Hereditary cancer-predisposing syndrome. Also called: Tumor predisposition; Hereditary Cancer Syndrome; Neoplastic Syndromes, Hereditary; Hereditary neoplastic syndrome. Identifiers: Orphanet 140162, MedGen C0027672, MeSH D009386, MONDO:0015356.
Hereditary breast ovarian cancer syndrome. Also called: Breast and ovarian cancer; Hereditary breast and ovarian cancer; Hereditary breast and ovarian cancer syndrome; BRCA1- and BRCA2-Associated Hereditary Breast and Ovarian Cancer; Hereditary breast and ovarian cancer syndrome (HBOC); Hereditary breast and/or ovarian cancer syndrome. Identifiers: Orphanet 145, MedGen C0677776, MeSH D061325, MONDO:0003582. Disease mechanism: loss of function.
Breast-ovarian cancer, familial, susceptibility to, 2 (BROVCA2). Also called: BRCA2 Hereditary Breast and Ovarian Cancer. Identifiers: Orphanet 145, MedGen C2675520, MONDO:0012933, OMIM 612555. Disease mechanism: loss of function.

Allele frequency attached by ClinVar (database versions not stated): gnomAD exomes below 0.00001 and 0.00001; ExAC 0.00001; TOPMed 0.00002.

Submissions (8):

Quest Diagnostics Nichols Institute San Juan Capistrano
Classification: Uncertain significance. Last evaluated: 2025-08-06. Review status: criteria provided, single submitter. Criteria: Quest Diagnostics criteria. Collection method: clinical testing. Allele origin: unknown.
Comment: The BRCA2 c.1885C>T (p.Leu629Phe) variant has been reported in the published literature as likely benign in a multifactorial likelihood study (PMID: 31131967 (2019)) and to be located in a region of the BRCA2 gene that is tolerant to missense sequence changes (PMID: 31911673 (2020)). A functional study demonstrated that this variant had an inconclusive effect on protein function, with neutral effect in a CRISPR-Cas9-based editing screens (PMID: 33691754 (2021)). The frequency of this variant in the general population (Genome Aggregation Database) is uninformative in the assessment of its pathogenicity. Analysis of this variant using bioinformatics tools for the prediction of the effect of amino acid changes on protein structure and function yielded predictions that this variant is benign. Based on the available information, we are unable to determine the clinical significance of this variant.

Ambry Genetics
Classification: Likely benign for Hereditary cancer-predisposing syndrome. Last evaluated: 2025-04-02. Review status: criteria provided, single submitter. Criteria: Ambry Variant Classification Scheme 2023. Collection method: clinical testing. Allele origin: germline.

Labcorp Genetics (formerly Invitae), Labcorp
Classification: Benign for Hereditary breast ovarian cancer syndrome. Last evaluated: 2025-02-03. Review status: criteria provided, single submitter. Criteria: Invitae Variant Classification Sherloc (09022015). Collection method: clinical testing. Allele origin: germline.

Women's Health and Genetics/Laboratory Corporation of America, LabCorp
Classification: Uncertain significance. Last evaluated: 2024-09-23. Review status: criteria provided, single submitter. Criteria: LabCorp Variant Classification Summary - May 2015. Collection method: clinical testing. Allele origin: germline.
Comment: Variant summary: BRCA2 c.1885C>T (p.Leu629Phe) results in a non-conservative amino acid change in the encoded protein sequence. Four of five in-silico tools predict a benign effect of the variant on protein function. The variant allele was found at a frequency of 8.3e-06 in 241046 control chromosomes. The available data on variant occurrences in the general population are insufficient to allow any conclusion about variant significance. Reports from the CAGI5 (fifth Critical Assessment of Genome Interpretation) challenge have classified this variant as likely benign in prediction protocols that include assessment of the impact of this variant on splicing and protein function using several sets of computational predictors (Padilla_2019, Cline_2019). However, to our knowledge, no occurrence of c.1885C>T in individuals affected with Hereditary Breast And Ovarian Cancer Syndrome and no experimental evidence demonstrating its impact on protein function have been reported. The following publications have been ascertained in the context of this evaluation (PMID: 31294896, 31112341). ClinVar contains an entry for this variant (Variation ID: 91762). Based on the evidence outlined above, the variant was classified as uncertain significance.

University of Washington Department of Laboratory Medicine, University of Washington
Classification: Likely benign for Hereditary cancer-predisposing syndrome. Last evaluated: 2023-03-23. Review status: criteria provided, single submitter. Criteria: Dines et al. (Genet Med. 2020). Collection method: curation. Allele origin: germline.
Comment: Missense variant in a coldspot region where missense variants are very unlikely to be pathogenic (PMID:31911673).

BRCA2 exon 10 coldspot. Reclassification based on statistical prior probability.

Color Diagnostics, LLC DBA Color Health
Classification: Uncertain significance for Hereditary cancer-predisposing syndrome. Last evaluated: 2020-10-30. Review status: criteria provided, single submitter. Criteria: ACMG Guidelines, 2015. Collection method: clinical testing. Allele origin: germline.
Comment: This missense variant replaces leucine with phenylalanine at codon 629 of the BRCA2 protein. Computational prediction suggests that this variant may not impact protein structure and function (internally defined REVEL score threshold <= 0.5, PMID: 27666373). To our knowledge, functional studies have not been reported for this variant. This variant has not been reported in individuals affected with breast or ovarian cancer in the literature. This variant has been identified in 2/241046 chromosomes in the general population by the Genome Aggregation Database (gnomAD). The available evidence is insufficient to determine the role of this variant in disease conclusively. Therefore, this variant is classified as a Variant of Uncertain Significance.

GeneDx
Classification: Uncertain significance. Last evaluated: 2016-09-12. Review status: criteria provided, single submitter. Criteria: GeneDx Variant Classification (06012015). Collection method: clinical testing. Allele origin: germline. Affected: yes.
Comment: This variant is denoted BRCA2 c.1885C>T at the cDNA level, p.Leu629Phe (L629F) at the protein level, and results in the change of a Leucine to a Phenylalanine (CTT>TTT). Using alternate nomenclature, this variant would be defined as BRCA2 2113C>T. This variant has not, to our knowledge, been published in the literature as pathogenic or benign. BRCA2 Leu629Phe was not observed in approximately 6,500 individuals of European and African American ancestry in the NHLBI Exome Sequencing Project, indicating it is not a common benign variant in these populations. Since Leucine and Phenylalanine share similar properties, this is considered a conservative amino acid substitution. BRCA2 Leu629Phe occurs at a position that is not conserved and is not located in a known functional domain. In silico analyses are inconsistent regarding the effect this variant may have on protein structure or function. Based on currently available information, it is unclear whether BRCA2 Leu629Phe is pathogenic or benign. We consider it to be a variant of uncertain significance.

Sharing Clinical Reports Project (SCRP)
Classification: Uncertain significance for Breast-ovarian cancer, familial 2. Last evaluated: 2011-10-11. Review status: no assertion criteria provided. Collection method: clinical testing. Allele origin: germline. Not counted in ClinVar's aggregate classification.

Literature cited by the submitters: PubMed 31911673 (cited by Quest Diagnostics Nichols Institute San Juan Capistrano); PubMed 33691754 (cited by Quest Diagnostics Nichols Institute San Juan Capistrano); PubMed 31131967 (cited by Quest Diagnostics Nichols Institute San Juan Capistrano); PubMed 31112341 (cited by Women's Health and Genetics/Laboratory Corporation of America, LabCorp); PubMed 31294896 (cited by Women's Health and Genetics/Laboratory Corporation of America, LabCorp).